The following is an entry in ClinVar:

ClinVar aggregate classification (germline): Uncertain significance. Review status: criteria provided, multiple submitters, no conflicts (2 of 4 stars). 6 submissions from 6 submitters: Uncertain significance (6). Last evaluated 2026-01-16.

Conditions:
Hereditary cancer-predisposing syndrome. Also called: Hereditary neoplastic syndrome; Neoplastic Syndromes, Hereditary; Hereditary Cancer Syndrome; Tumor predisposition. Identifiers: Orphanet 140162, MedGen C0027672, MeSH D009386, MONDO:0015356.
Basal cell carcinoma, susceptibility to, 1. Also called: BCC1. Identifiers: MedGen C2751544, MONDO:0011556, OMIM 605462.
Gorlin syndrome. Also called: Nevoid Basal Cell Carcinoma Syndrome; Basal cell nevus syndrome. Identifiers: Orphanet 377, MedGen C0004779, MONDO:0007187.
Holoprosencephaly 7 (HPE7). Identifiers: Orphanet 2162, MedGen C1835820, MONDO:0012562, OMIM 610828.

Allele frequency attached by ClinVar (database versions not stated): gnomAD exomes 0.00001.
gnomAD v4.1: 3 of 1,614,032 alleles (0.00019%); highest among the groups gnomAD compares: Non-Finnish European, 0.00025%; no homozygotes.

Submissions (6):

Dasa
Classification: Uncertain significance. Last evaluated: 2026-01-16. Review status: criteria provided, single submitter. Criteria: DASA Assertion Criteria. Collection method: clinical testing. Allele origin: germline.
Comment: NM_000264.5(PTCH1):c.4178C>T (p.Pro1393Leu) is a missense variant that results in the substitution of proline with leucine. This variant is rare in population databases. The currently available literature and clinical evidence are not sufficient to establish a definitive association between this variant and the reported condition. Therefore, this variant is classified as a variant of uncertain significance.

Ambry Genetics
Classification: Uncertain significance for Hereditary cancer-predisposing syndrome. Last evaluated: 2025-11-08. Review status: criteria provided, single submitter. Criteria: Ambry Variant Classification Scheme 2023. Collection method: clinical testing. Allele origin: germline.
Comment: The p.P1393L variant (also known as c.4178C>T), located in coding exon 23 of the PTCH1 gene, results from a C to T substitution at nucleotide position 4178. The proline at codon 1393 is replaced by leucine, an amino acid with similar properties. This amino acid position is not well conserved in available vertebrate species. In addition, the in silico prediction for this alteration is inconclusive. Since supporting evidence is limited at this time, the clinical significance of this alteration remains unclear.

Labcorp Genetics (formerly Invitae), Labcorp
Classification: Uncertain significance for Gorlin syndrome. Last evaluated: 2025-08-07. Review status: criteria provided, single submitter. Criteria: Invitae Variant Classification Sherloc (09022015). Collection method: clinical testing. Allele origin: germline.
Comment: This sequence change replaces proline, which is neutral and non-polar, with leucine, which is neutral and non-polar, at codon 1393 of the PTCH1 protein (p.Pro1393Leu). This variant is not present in population databases (gnomAD no frequency). This variant has not been reported in the literature in individuals affected with PTCH1-related conditions. ClinVar contains an entry for this variant (Variation ID: 931606). Invitae Evidence Modeling of protein sequence and biophysical properties (such as structural, functional, and spatial information, amino acid conservation, physicochemical variation, residue mobility, and thermodynamic stability) indicates that this missense variant is not expected to disrupt PTCH1 protein function with a negative predictive value of 95%. In summary, the available evidence is currently insufficient to determine the role of this variant in disease. Therefore, it has been classified as a Variant of Uncertain Significance.

Laboratorio de Genetica e Diagnostico Molecular, Hospital Israelita Albert Einstein
Classification: Uncertain significance for Holoprosencephaly 7. Last evaluated: 2023-01-26. Review status: criteria provided, single submitter. Criteria: ACMG Guidelines, 2015. Collection method: clinical testing. Allele origin: germline. Affected: yes. Observed: 1 variant allele.
Comment: ACMG classification criteria: PM2 moderated, BP4 supporting

Genetic Services Laboratory, University of Chicago
Classification: Uncertain significance. Last evaluated: 2021-10-11. Review status: criteria provided, single submitter. Criteria: ACMG Guidelines, 2015. Collection method: clinical testing. Allele origin: germline. Affected: no.

Centre for Mendelian Genomics, University Medical Centre Ljubljana
Classification: Uncertain significance for Basal cell carcinoma, susceptibility to, 1. Last evaluated: 2020-01-13. Review status: criteria provided, single submitter. Criteria: ACMG Guidelines, 2015. Collection method: clinical testing. Allele origin: unknown. Affected: yes.
Comment: This variant was classified as: Uncertain significance. The available evidence on this variant's pathogenicity is insufficient or conflicting. The following ACMG criteria were applied in classifying this variant: PM2,PP3.

NM_000264.5(PTCH1):c.4178C>T (p.Pro1393Leu)

Gene: PTCH1 (patched 1; minus strand). Cytogenetic location: 9q22.32.
Variant type: single nucleotide variant.
Coding change: c.4178C>T on transcript NM_000264.5 (MANE Select); coding-DNA position 4178, C replaced by T.
Protein change: p.Pro1393Leu; replaces proline 1393 with leucine.
Molecular consequence: missense variant. On other transcripts: non-coding transcript variant (1).
Genome position (GRCh38, 1-based): chr9:95,447,078, G>A on the plus strand (C>T on the coding strand, the complement: PTCH1 is on the minus strand). VCF-style: chr9-95447078-G-A. GRCh37 (hg19) VCF-style: chr9-98209360-G-A.
Other names: c.3980C>T, p.Pro1327Leu (NM_001083602.3); c.4175C>T, p.Pro1392Leu (NM_001083603.3); c.3725C>T, p.Pro1242Leu (NM_001083604.3, NM_001083605.3, NM_001083606.3 and 1 more transcripts); c.4022C>T, p.Pro1341Leu (NM_001354918.2); short protein forms P1242L, P1327L, P1341L, P1393L, P1392L.
Identifiers: ClinVar variation 931606 (VCV000931606.20), dbSNP rs1368334005, ClinGen allele CA374110171.